The following is an entry in ClinVar:

NM_014991.6(WDFY3):c.9560G>A (p.Cys3187Tyr)

Gene: WDFY3 (WD repeat and FYVE domain containing 3; minus strand). Cytogenetic location: 4q21.23.
Variant type: single nucleotide variant.
Coding change: c.9560G>A on transcript NM_014991.6 (MANE Select); coding-DNA position 9560, G replaced by A.
Protein change: p.Cys3187Tyr; replaces cysteine 3187 with tyrosine.
Molecular consequence: missense variant.
Genome position (GRCh38, 1-based): chr4:84,684,109, C>T on the plus strand (G>A on the coding strand, the complement: WDFY3 is on the minus strand). VCF-style: chr4-84684109-C-T. GRCh37 (hg19) VCF-style: chr4-85605262-C-T.
Other names: short protein forms C3187Y.
Identifiers: ClinVar variation 1809914 (VCV001809914.1), dbSNP rs2530564348, ClinGen allele CA357268095.

ClinVar aggregate classification (germline): Uncertain significance (1 of 4 stars; one submission).

Submission:

GeneDx
Classification: Uncertain significance. Last evaluated: 2022-06-28. Review status: criteria provided, single submitter. Criteria: GeneDx Variant Classification Process June 2021. Collection method: clinical testing. Allele origin: germline. Affected: yes.
Comment: Has not been previously published as pathogenic or benign to our knowledge; Not observed at significant frequency in large population cohorts (gnomAD); In silico analysis supports that this missense variant has a deleterious effect on protein structure/function